The following is an entry in ClinVar:

ClinVar aggregate classification (germline): Uncertain significance (1 of 4 stars; one submission).

Submission:

Ambry Genetics
Classification: Uncertain significance. Last evaluated: 2025-11-24. Review status: criteria provided, single submitter. Criteria: Ambry Variant Classification Scheme 2023. Collection method: clinical testing. Allele origin: germline.
Comment: The c.864+5G>A intronic variant results from a G to A substitution 5 nucleotides after coding exon 8 in the KIF1B gene. This nucleotide position is highly conserved in available vertebrate species. In silico splice site analysis predicts that this alteration will weaken the native splice donor site. The evidence for this gene-disease relationship is limited; therefore, the clinical significance of this alteration is unclear.

NM_001365951.3(KIF1B):c.864+5G>A

Gene: KIF1B (kinesin family member 1B; plus strand). Cytogenetic location: 1p36.22.
Variant type: single nucleotide variant.
Coding change: c.864+5G>A on transcript NM_001365951.3 (MANE Select); 5 bases into the intron after coding-DNA position 864, G replaced by A.
Molecular consequence: intron variant.
Genome position (GRCh38, 1-based): chr1:10,272,311, G>A. VCF-style: chr1-10272311-G-A. GRCh37 (hg19) VCF-style: chr1-10332369-G-A.
Other names: c.864+5G>A (NM_183416.4, NM_015074.3, NM_001365952.1 and 1 more transcripts).
Identifiers: ClinVar variation 4543672 (VCV004543672.1).
Genomic context (GRCh38, chr1:10,272,311, plus strand): 5'-ATATTAATAAGTCTCTTACAACTTTGGGCAAAGTCATTTCAGCCTTGGCCGAGGTGGTAA[G>A]TTTTATACTTCATTATAAGGGGAGTTGTGTCTGTTCAGCAAATATACTTGATGATATTTT-3'